The following is an entry in ClinVar:

ClinVar aggregate classification (germline): Uncertain significance (1 of 4 stars; one submission).

Conditions:
TTN-related disorder. Also called: TTN-related condition; TTN-related disease; TTN-related disorders.

Submission:

3billion
Classification: Uncertain significance for TTN-related disorder. Last evaluated: 2025-10-23. Review status: criteria provided, single submitter. Criteria: ACMG Guidelines, 2015. Collection method: clinical testing. Allele origin: germline. Affected: yes.
Comment: The variant is not observed in the gnomAD v4.1.0 dataset. Predicted Consequence/Location: Frameshift: predicted to result in a loss or disruption of normal protein function through nonsense-mediated decay (NMD) or protein truncation. Multiple pathogenic variants are reported downstream of the variant. Therefore, this variant is classified as VUS according to the recommendation of ACMG/AMP guideline.

NM_001267550.2(TTN):c.22661_22667dup (p.Pro7557fs)

Gene: TTN (titin; minus strand). Cytogenetic location: 2q31.2.
Variant type: Duplication.
Coding change: c.22661_22667dup on transcript NM_001267550.2 (MANE Select); coding-DNA positions 22661 to 22667, 7 bases duplicated (AGATCCG; older notation c.22661_22667dupAGATCCG).
Protein change: p.Pro7557fs; shifts the reading frame from proline 7557.
Molecular consequence: frameshift variant. On other transcripts: intron variant (3).
Genome position (GRCh38, 1-based): chr2:178,721,996-178,722,002, CGGATCT duplicated on the plus strand (AGATCCG on the coding strand, the reverse complement: TTN is on the minus strand); duplicating any 7 consecutive bases within chr2:178,721,996-178,722,003 gives the same sequence; the c. name uses the placement nearest the transcript's 3' end. VCF-style (leftmost placement, unchanged base first): chr2-178721995-A-ACGGATCT. GRCh37 (hg19) VCF-style: chr2-179586722-A-ACGGATCT.
Other names: c.21710_21716dup, p.Pro7240fs (NM_001256850.1); c.18929_18935dup, p.Pro6313fs (NM_133378.4); c.13282+16080_13282+16086dup (NM_003319.4); c.13858+16080_13858+16086dup (NM_133437.4); c.13657+16080_13657+16086dup (NM_133432.3); short protein forms P6313fs, P7240fs, P7557fs.
Identifiers: ClinVar variation 4853929 (VCV004853929.1).